The following is an entry in ClinVar:

ClinVar aggregate classification (germline): Uncertain significance (1 of 4 stars; one submission).

Conditions:
Charcot-Marie-Tooth disease axonal type 2C (HMSN2C). Also called: CHARCOT-MARIE-TOOTH DISEASE, AXONAL, AUTOSOMAL DOMINANT, TYPE 2C; Charcot-Marie-Tooth Neuropathy Type 2C; Charcot-Marie-Tooth Disease Type 2, TRPV4-Related (CMT2C). Identifiers: Orphanet 99937, MedGen C1853710, MONDO:0011633, OMIM 606071.

Submission:

Labcorp Genetics (formerly Invitae), Labcorp
Classification: Uncertain significance for Charcot-Marie-Tooth disease axonal type 2C. Last evaluated: 2022-05-28. Review status: criteria provided, single submitter. Criteria: Invitae Variant Classification Sherloc (09022015). Collection method: clinical testing. Allele origin: germline.
Comment: In summary, the available evidence is currently insufficient to determine the role of this variant in disease. Therefore, it has been classified as a Variant of Uncertain Significance. This variant has not been reported in the literature in individuals affected with TRPV4-related conditions. This variant is not present in population databases (gnomAD no frequency). This sequence change creates a premature translational stop signal (p.His299Profs*35) in the TRPV4 gene. It is expected to result in an absent or disrupted protein product. However, the current clinical and genetic evidence is not sufficient to establish whether loss-of-function variants in TRPV4 cause disease.

NM_021625.5(TRPV4):c.895dup (p.His299fs)

Gene: TRPV4 (transient receptor potential cation channel subfamily V member 4; minus strand). Cytogenetic location: 12q24.11.
Variant type: Duplication.
Coding change: c.895dup on transcript NM_021625.5 (MANE Select); coding-DNA position 895, one base duplicated (C; older notation c.895dupC).
Protein change: p.His299fs; shifts the reading frame from histidine 299.
Molecular consequence: frameshift variant.
Genome position (GRCh38, 1-based): chr12:109,798,871, G duplicated on the plus strand (C on the coding strand, the reverse complement: TRPV4 is on the minus strand); the first of 4 consecutive G bases (chr12:109,798,871-109,798,874); duplicating any one gives the same sequence. VCF-style (leftmost placement, unchanged base first): chr12-109798870-T-TG. GRCh37 (hg19) VCF-style: chr12-110236675-T-TG.
Other names: c.751dup, p.His252Profs (NM_001177428.2, NM_001177433.2); c.790dup, p.His265Profs (NM_001177431.2); c.892dup, p.His299Profs (NM_147204.3); short protein forms H299fs, H252fs, H265fs.
Identifiers: ClinVar variation 2163625 (VCV002163625.4), dbSNP rs2548750687, ClinGen allele CA2580085802.